The following is an entry in ClinVar:

ClinVar aggregate classification (germline): Uncertain significance (1 of 4 stars; one submission).

gnomAD v4.1: 2 of 1,526,342 alleles (0.00013%); highest among the groups gnomAD compares: Admixed American, 0.002%; no homozygotes.

Submission:

Labcorp Genetics (formerly Invitae), Labcorp
Classification: Uncertain significance. Last evaluated: 2024-08-13. Review status: criteria provided, single submitter. Criteria: Invitae Variant Classification Sherloc (09022015). Collection method: clinical testing. Allele origin: germline.
Comment: This sequence change replaces proline, which is neutral and non-polar, with arginine, which is basic and polar, at codon 168 of the MAGEL2 protein (p.Pro168Arg). This variant is not present in population databases (gnomAD no frequency). This variant has not been reported in the literature in individuals affected with MAGEL2-related conditions. Experimental studies and prediction algorithms are not available or were not evaluated, and the functional significance of this variant is currently unknown. In summary, the available evidence is currently insufficient to determine the role of this variant in disease. Therefore, it has been classified as a Variant of Uncertain Significance.

NM_019066.5(MAGEL2):c.503C>G (p.Pro168Arg)

Gene: MAGEL2 (MAGE family member L2; minus strand). Cytogenetic location: 15q11.2.
Variant type: single nucleotide variant.
Coding change: c.503C>G on transcript NM_019066.5 (MANE Select); coding-DNA position 503, C replaced by G.
Protein change: p.Pro168Arg; replaces proline 168 with arginine.
Molecular consequence: missense variant.
Genome position (GRCh38, 1-based): chr15:23,647,240, G>C on the plus strand (C>G on the coding strand, the complement: MAGEL2 is on the minus strand). VCF-style: chr15-23647240-G-C. GRCh37 (hg19) VCF-style: chr15-23892387-G-C.
Other names: short protein forms P168R.
Identifiers: ClinVar variation 2970798 (VCV002970798.3), dbSNP rs1377335007, ClinGen allele CA391337094.